The following is an entry in ClinVar:

NM_001376.5(DYNC1H1):c.12684+6T>C

Gene: DYNC1H1 (dynein cytoplasmic 1 heavy chain 1; plus strand). Cytogenetic location: 14q32.31.
Variant type: single nucleotide variant.
Coding change: c.12684+6T>C on transcript NM_001376.5 (MANE Select); 6 bases into the intron after coding-DNA position 12684, T replaced by C.
Molecular consequence: intron variant.
Genome position (GRCh38, 1-based): chr14:102,044,051, T>C. VCF-style: chr14-102044051-T-C. GRCh37 (hg19) VCF-style: chr14-102510388-T-C.
Identifiers: ClinVar variation 2004197 (VCV002004197.4), dbSNP rs2503866036, ClinGen allele CA2580088538.

ClinVar aggregate classification (germline): Uncertain significance (1 of 4 stars; one submission).

Conditions:
Charcot-Marie-Tooth disease axonal type 2O. Also called: CHARCOT-MARIE-TOOTH NEUROPATHY, AXONAL, TYPE 2O; CHARCOT-MARIE-TOOTH DISEASE, AXONAL, AUTOSOMAL DOMINANT, TYPE 2O; Charcot-Marie-Tooth disease, axonal, type 20; Charcot-Marie-Tooth Neuropathy Type 2O. Identifiers: Orphanet 284232, MedGen C3280220, MONDO:0013644, OMIM 614228.

Allele frequency attached by ClinVar (database versions not stated): gnomAD exomes 0.00001.
gnomAD v4.1: 5 of 1,613,436 alleles (0.00031%); highest among the groups gnomAD compares: Non-Finnish European, 0.00042%; no homozygotes.

Submission:

Labcorp Genetics (formerly Invitae), Labcorp
Classification: Uncertain significance for Charcot-Marie-Tooth disease axonal type 2O. Last evaluated: 2024-04-22. Review status: criteria provided, single submitter. Criteria: Invitae Variant Classification Sherloc (09022015). Collection method: clinical testing. Allele origin: germline.
Comment: This sequence change falls in intron 70 of the DYNC1H1 gene. It does not directly change the encoded amino acid sequence of the DYNC1H1 protein. It affects a nucleotide within the consensus splice site. This variant is not present in population databases (gnomAD no frequency). This variant has not been reported in the literature in individuals affected with DYNC1H1-related conditions. ClinVar contains an entry for this variant (Variation ID: 2004197). Variants that disrupt the consensus splice site are a relatively common cause of aberrant splicing (PMID: 17576681, 9536098). Algorithms developed to predict the effect of sequence changes on RNA splicing suggest that this variant may disrupt the consensus splice site. In summary, the available evidence is currently insufficient to determine the role of this variant in disease. Therefore, it has been classified as a Variant of Uncertain Significance.

Literature cited by the submitters: PubMed 17576681; PubMed 9536098.